The following is an entry in ClinVar:

NM_000330.4(RS1):c.433G>A (p.Asp145Asn)

Genes: CDKL5 (cyclin dependent kinase like 5; plus strand), RS1 (retinoschisin 1; minus strand). Cytogenetic location: Xp22.13.
Variant type: single nucleotide variant.
Coding change: c.433G>A on transcript NM_000330.4 (MANE Select); coding-DNA position 433, G replaced by A.
Protein change: p.Asp145Asn; replaces aspartic acid 145 with asparagine.
Molecular consequence: missense variant. On other transcripts: intron variant (2).
Genome position (GRCh38, 1-based): chrX:18,644,519, C>T on the plus strand (G>A on the coding strand, the complement: RS1 is on the minus strand). VCF-style: chrX-18644519-C-T. GRCh37 (hg19) VCF-style: chrX-18662639-C-T.
Other names: NM_000330.4(RS1):c.433G>A; p.Asp145Asn; c.2714-1488C>T (NM_003159.3, NM_001037343.2); short protein forms D145N.
Identifiers: ClinVar variation 798785 (VCV000798785.27), dbSNP rs184603580, ClinGen allele CA10360641.

ClinVar aggregate classification (germline): Uncertain significance. Review status: reviewed by expert panel (3 of 4 stars). 4 submissions from 4 submitters: Uncertain significance (1). 3 of the submissions do not count toward it. Last evaluated 2025-05-19.

Conditions:
Inborn genetic diseases. Identifiers: MedGen C0950123, MeSH D030342.
Juvenile retinoschisis (RS1). Also called: X-linked retinoschisis; X-Linked Juvenile Retinoschisis. Identifiers: Orphanet 792, MedGen C3714753, MONDO:0010725, OMIM 312700.

Allele frequency attached by ClinVar (database versions not stated): gnomAD exomes 0.00001 and 0.00003; 1000 Genomes Project 30x 0.00042; TOPMed 0.00001; gnomAD 0.00002 and 0.00004; ExAC 0.00002; 1000 Genomes Project 0.00053.
gnomAD v4.1: 16 of 1,209,543 alleles (0.0013%); highest among the groups gnomAD compares: East Asian, 0.012%; no homozygotes.

Submissions (4):

ClinGen X-linked Inherited Retinal Disease Variant Curation Expert Panel, ClinGen
Classification: Uncertain significance for Juvenile retinoschisis. Last evaluated: 2025-05-19. Review status: reviewed by expert panel. Criteria: ClinGen X LinkedIRD ACMG Specifications RS1 V1.0.0. Collection method: curation. Allele origin: germline. Inheritance: X-linked inheritance.
Comment: The NM_000330.4(RS1):c.433G>A missense variant encoding the substitution of Aspartic acid with Asparagine at amino acid 145. This variant is present in gnomAD v.4.1.0 at a frequency of 0.00001511 among hemizygous individuals, with 6 variant alleles / 397081 total hemizygous alleles, which is between the ClinGen X-linked IRD VCEP PM2_Supporting and BS1 thresholds of <0.000002 and >0.00002 and fails to meet these criteria. The computational predictor REVEL gives a score of 0.556, which is between the ClinGen X-linked IRD VCEP thresholds of 0.664 and 0.290 and does not predict a damaging effect on RS1 function. Additionally, the splicing impact predictor SpliceAI gives a score of 0.00, which is below the ClinGen X-linked IRD VCEP recommended threshold of ≥0.2 and does not strongly predict an impact on splicing. Collectively, the BP4 and PP3 codes do not apply. In summary, this variant is classified as a variant of uncertain significance for X-linked retinoschisis based on the ClinGen X-linked Inherited Retinal Disease Expert Panel Specifications to the ACMG/AMP Variant Interpretation Guidelines for RS1 Version 1.0.0: no codes apply (date of approval 01/24/2025).

Labcorp Genetics (formerly Invitae), Labcorp
Classification: Likely benign. Last evaluated: 2026-01-13. Review status: criteria provided, single submitter. Criteria: Invitae Variant Classification Sherloc (09022015). Collection method: clinical testing. Allele origin: germline. Not counted in ClinVar's aggregate classification.

Ambry Genetics
Classification: Uncertain significance for Inborn genetic diseases. Last evaluated: 2025-07-16. Review status: criteria provided, single submitter. Criteria: Ambry Variant Classification Scheme 2023. Collection method: clinical testing. Allele origin: germline. Not counted in ClinVar's aggregate classification.

CeGaT Center for Human Genetics Tuebingen
Classification: Likely benign. Last evaluated: 2024-08-01. Review status: criteria provided, single submitter. Criteria: CeGaT Center For Human Genetics Tuebingen Variant Classification Criteria Version 2. Collection method: clinical testing. Allele origin: germline. Affected: yes. Observed: 1 variant allele. Not counted in ClinVar's aggregate classification.
Comment: RS1: PM5, PP3, BS2